The following is an entry in ClinVar:

NM_002618.4(PEX13):c.1180A>T (p.Ile394Phe)

Gene: PEX13 (peroxisomal biogenesis factor 13; plus strand). Cytogenetic location: 2p15.
Variant type: single nucleotide variant.
Coding change: c.1180A>T on transcript NM_002618.4 (MANE Select); coding-DNA position 1180, A replaced by T.
Protein change: p.Ile394Phe; replaces isoleucine 394 with phenylalanine.
Molecular consequence: missense variant.
Genome position (GRCh38, 1-based): chr2:61,048,738, A>T. VCF-style: chr2-61048738-A-T. GRCh37 (hg19) VCF-style: chr2-61275873-A-T.
Other names: short protein forms I394F.
Identifiers: ClinVar variation 575720 (VCV000575720.7), dbSNP rs376560254, ClinGen allele CA1673442.

ClinVar aggregate classification (germline): Conflicting classifications of pathogenicity. Review status: criteria provided, conflicting classifications (1 of 4 stars). 3 submissions from 3 submitters: Uncertain significance (2); Likely benign (1). Last evaluated 2026-01-27.

Conditions:
PEX13-related disorder. Also called: PEX13-related disorders; PEX13-related condition.
Peroxisome biogenesis disorder 11A (Zellweger). Also called: Peroxisome biogenesis disorder 11A. Identifiers: Orphanet 912, MedGen C3554000, MONDO:0013949, OMIM 614883.

Allele frequency attached by ClinVar (database versions not stated): TOPMed 0.00004; gnomAD 0.00005 and 0.00006; ExAC 0.00007; gnomAD exomes 0.00009.
gnomAD v4.1: 60 of 1,613,928 alleles (0.0037%); highest among the groups gnomAD compares: East Asian, 0.078%; no homozygotes.

Submissions (3):

PreventionGenetics, part of Exact Sciences
Classification: Uncertain significance for PEX13-related condition. Last evaluated: 2026-01-27. Review status: criteria provided, single submitter. Criteria: ACMG Guidelines, 2015. Collection method: clinical testing. Allele origin: germline.
Comment: The PEX13 c.1180A>T variant is predicted to result in the amino acid substitution p.Ile394Phe. To our knowledge, this variant has not been reported in the literature. This variant is reported in 0.13% of alleles in individuals of East Asian descent in gnomAD, which is more common than expected for a primary cause of disease. Although we suspect this variant mat be benign, at this time, the clinical significance is uncertain due to the absence of conclusive functional and genetic evidence.

Labcorp Genetics (formerly Invitae), Labcorp
Classification: Uncertain significance for Peroxisome biogenesis disorder 11A (Zellweger). Last evaluated: 2025-01-01. Review status: criteria provided, single submitter. Criteria: Invitae Variant Classification Sherloc (09022015). Collection method: clinical testing. Allele origin: germline.
Comment: This sequence change replaces isoleucine, which is neutral and non-polar, with phenylalanine, which is neutral and non-polar, at codon 394 of the PEX13 protein (p.Ile394Phe). This variant is present in population databases (rs376560254, gnomAD 0.1%). This variant has not been reported in the literature in individuals affected with PEX13-related conditions. ClinVar contains an entry for this variant (Variation ID: 575720). An algorithm developed to predict the effect of missense changes on protein structure and function (PolyPhen-2) suggests that this variant¬†is likely to be tolerated. In summary, the available evidence is currently insufficient to determine the role of this variant in disease. Therefore, it has been classified as a Variant of Uncertain Significance.

Blueprint Genetics
Classification: Likely benign. Last evaluated: 2024-11-21. Review status: criteria provided, single submitter. Criteria: ACMG Guidelines, 2015. Collection method: clinical testing. Allele origin: germline.